The following is an entry in ClinVar:

NM_001243133.2(NLRP3):c.1316C>T (p.Ala439Val)

Gene: NLRP3 (NLR family pyrin domain containing 3; plus strand). Cytogenetic location: 1q44.
Variant type: single nucleotide variant.
Coding change: c.1316C>T on transcript NM_001243133.2 (MANE Select); coding-DNA position 1316, C replaced by T.
Protein change: p.Ala439Val; replaces alanine 439 with valine.
Molecular consequence: missense variant.
Genome position (GRCh38, 1-based): chr1:247,424,765, C>T. VCF-style: chr1-247424765-C-T. GRCh37 (hg19) VCF-style: chr1-247588067-C-T.
Other names: c.1316C>T, p.Ala439Val (NM_001079821.3, NM_001127461.3, NM_001127462.3 and 1 more transcripts); c.1322C>T, p.Ala441Val (NM_004895.5); short protein forms A439V, A441V.
Identifiers: ClinVar variation 4370 (VCV000004370.48), dbSNP rs121908146, ClinGen allele CA280958.

ClinVar aggregate classification (germline): Pathogenic/Likely pathogenic. Review status: criteria provided, multiple submitters, no conflicts (2 of 4 stars). 15 submissions from 15 submitters: Pathogenic (10); Likely pathogenic (1). 4 of the submissions do not count toward it. Last evaluated 2026-05-04.

Conditions:
NLRP3-related disorder. Also called: NLRP3-Related Disorders; NLRP3-related condition.
Cryopyrin associated periodic syndrome (CAPS). Identifiers: Orphanet 208650, MedGen C2316212, MONDO:0016168.
Hearing loss, autosomal dominant 34, with or without inflammation. Also called: DEAFNESS, AUTOSOMAL DOMINANT 34, WITH OR WITHOUT INFLAMMATION. Identifiers: MedGen C4521680, MONDO:0033261, OMIM 617772.
Familial cold autoinflammatory syndrome 1 (FCAS1). Also called: CRYOPYRIN-ASSOCIATED PERIODIC SYNDROME 1; Familial cold inflammatory syndrome 1. Identifiers: Orphanet 47045, MedGen C4551895, MONDO:0007349, OMIM 120100.
Familial amyloid nephropathy with urticaria AND deafness (MWS). Also called: UDA SYNDROME; URTICARIA-DEAFNESS-AMYLOIDOSIS SYNDROME; MUCKLE-WELLS SYNDROME; Urticaria, deafness and amyloidosis; CRYOPYRIN-ASSOCIATED PERIODIC SYNDROME 2. Identifiers: Orphanet 575, MedGen C0268390, MONDO:0008633, OMIM 191900.
Keratitis fugax hereditaria. Also called: KERATOENDOTHELIITIS FUGAX HEREDITARIA. Identifiers: Orphanet 647815, MedGen C1835697, MONDO:0007849, OMIM 148200.
Chronic infantile neurological, cutaneous and articular syndrome (CINCA). Also called: Prieur Griscelli syndrome; CHRONIC NEUROLOGIC CUTANEOUS AND ARTICULAR SYNDROME; CINCA syndrome; CRYOPYRIN-ASSOCIATED PERIODIC SYNDROME 3. Identifiers: Orphanet 1451, MedGen C0409818, MONDO:0011776, OMIM 607115.
Autoinflammatory syndrome. Identifiers: Orphanet 93665, MedGen C3890737, MONDO:0019751.

Allele frequency attached by ClinVar (database versions not stated): gnomAD exomes below 0.00001.
gnomAD v4.1: 3 of 1,612,542 alleles (0.00019%); highest among the groups gnomAD compares: Non-Finnish European, 0.00017%; no homozygotes.

Submissions 1 to 8 of 15:

Women's Health and Genetics/Laboratory Corporation of America, LabCorp
Classification: Pathogenic for Cryopyrin associated periodic syndrome. Last evaluated: 2026-05-04. Review status: criteria provided, single submitter. Criteria: LabCorp Variant Classification Summary - May 2015. Collection method: clinical testing. Allele origin: germline.
Comment: Variant summary: NLRP3 c.1322C>T (p.Ala441Val) results in a non-conservative amino acid change located in the NACHT domain (Awad_2019) of the encoded protein sequence. Algorithms developed to predict the effect of missense changes on protein structure and function all suggest that this variant is likely to be disruptive. The variant was absent in 249756 control chromosomes (gnomAD). c.1322C>T has been observed in multiple individuals affected with clinical features of NLRP3-related disease and this variant co-segregated with the disease (Awad_2019). These data indicate that the variant is very likely to be associated with disease. At least one publication reports experimental evidence evaluating an impact on protein function and this variant affects NLRP3 protein function (Awad_2019). The following publications have been ascertained in the context of this evaluation (PMID: 31777803, 25596455). ClinVar contains an entry for this variant (Variation ID: 4370). Based on the evidence outlined above, the variant was classified as pathogenic.

Labcorp Genetics (formerly Invitae), Labcorp
Classification: Pathogenic for Cryopyrin associated periodic syndrome. Last evaluated: 2025-12-03. Review status: criteria provided, single submitter. Criteria: Invitae Variant Classification Sherloc (09022015). Collection method: clinical testing. Allele origin: germline.
Comment: This sequence change replaces alanine, which is neutral and non-polar, with valine, which is neutral and non-polar, at codon 441 of the NLRP3 protein (p.Ala441Val). This variant is not present in population databases (gnomAD no frequency). This missense change has been observed in individuals with NLRP3-related disease (PMID: 11687797, 15801036, 25596455, 26245507, 26931528, 27134254). It has also been observed to segregate with disease in related individuals. This variant is also known as A439V or C1316T. ClinVar contains an entry for this variant (Variation ID: 4370). Invitae Evidence Modeling of protein sequence and biophysical properties (such as structural, functional, and spatial information, amino acid conservation, physicochemical variation, residue mobility, and thermodynamic stability) has been performed for this missense variant. However, the output from this modeling did not meet the statistical confidence thresholds required to predict the impact of this variant on NLRP3 protein function. For these reasons, this variant has been classified as Pathogenic.

CeGaT Center for Human Genetics Tuebingen
Classification: Pathogenic. Last evaluated: 2025-11-01. Review status: criteria provided, single submitter. Criteria: CeGaT Center For Human Genetics Tuebingen Variant Classification Criteria Version 2. Collection method: clinical testing. Allele origin: germline. Affected: yes. Observed: 2 variant alleles.
Comment: NLRP3: PP1:Strong, PM1, PM2, PM5, PS4:Moderate, PM6:Supporting

PreventionGenetics, part of Exact Sciences
Classification: Pathogenic for NLRP3-related condition. Last evaluated: 2025-07-07. Review status: criteria provided, single submitter. Criteria: ACMG Guidelines, 2015. Collection method: clinical testing. Allele origin: germline.
Comment: The NLRP3 c.1322C>T variant is predicted to result in the amino acid substitution p.Ala441Val. In the literature this variant is also reported as NLRP3 c.1316C>T (p.Ala439Val) via NM_001243133. This variant has been reported in individuals cryopyrin-associated periodic syndrome/CAPS or familial cold autoinflammatory syndrome (FCAS) (Parker et al. 2016. PubMed ID: 26931528; Hoffman et al 2001. PubMed ID: 11687797; Aoyama et al. 2012. PubMed ID: 22377911). This variant has not been reported in a large population database (gnomAD), indicating this variant is rare, and is reported as pathogenic/likely pathogenic in ClinVar. This variant is interpreted as pathogenic.

Mayo Clinic Laboratories, Mayo Clinic
Classification: Pathogenic. Last evaluated: 2025-05-22. Review status: criteria provided, single submitter. Criteria: ACMG Guidelines, 2015. Collection method: clinical testing. Allele origin: germline. Observed: 2 variant alleles.
Comment: PP1_strong, PP4, PM2_supporting, PM6, PS3_supporting, PS4

GeneDx
Classification: Pathogenic. Last evaluated: 2025-05-15. Review status: criteria provided, single submitter. Criteria: GeneDx Variant Classification Process June 2021. Collection method: clinical testing. Allele origin: germline. Affected: yes.
Comment: Published functional studies demonstrate that individuals with A441V have increased secretion of inflammatory cytokines, which correlates with disease severity (PMID: 25596455); Not observed at significant frequency in large population cohorts (gnomAD); In silico analysis supports that this missense variant has a deleterious effect on protein structure/function; Also known as A439V; This variant is associated with the following publications: (PMID: 26115477, 26245507, 26931528, 27134254, 28956000, 15801036, 31057541, 30568124, 31777803, 34099780, 37898571, 11687797, 25596455, 22377911, 19302049)

Genetics and Molecular Pathology, SA Pathology
Classification: Likely pathogenic for Familial cold autoinflammatory syndrome 1. Last evaluated: 2023-07-26. Review status: criteria provided, single submitter. Criteria: ACMG Guidelines, 2015. Collection method: clinical testing. Allele origin: germline. Inheritance: Autosomal dominant inheritance. Affected: yes.
Comment: The NLRP3 c.1316C>T variant is classified as Likely Pathogenic (PS4_Moderate, PM2, PP1_Strong) The NLRP3 c.1316C>T variant (also known as p.Ala441Val) is a single nucleotide change in exon 3/9 of the NLRP3 gene, which is predicted to change the amino acid alanine at position 439 in the protein to valine. The variant has been reported in probands with a clinical presentation of Familial Cold Autoinflammatory Syndrome (PS4_Moderate). This variant is absent from population databases (PM2). Segregation with disease is noted within 2 large families, with 19 mutation positive individuals. (PP1_strong) (PubMed: 11687797, 27134254). The variant has been reported in dbSNP (rs121908146) and in the HGMD database: CM013248. It has been reported as Pathogenic by other diagnostic laboratories (ClinVar Variation ID: 4370).

Blueprint Genetics
Classification: Pathogenic for NLRP3-related disorders. Last evaluated: 2023-04-17. Review status: criteria provided, single submitter. Criteria: ACMG Guidelines, 2015. Collection method: clinical testing. Allele origin: germline. Affected: yes. Observed: 5 variant alleles.